The following is an entry in ClinVar:

NM_001267550.2(TTN):c.47270-3C>T

Genes: TTN (titin; minus strand), TTN-AS1 (TTN antisense RNA 1; plus strand). Cytogenetic location: 2q31.2.
Variant type: single nucleotide variant.
Coding change: c.47270-3C>T on transcript NM_001267550.2 (MANE Select); 3 bases into the intron before coding-DNA position 47270, C replaced by T.
Molecular consequence: intron variant.
Genome position (GRCh38, 1-based): chr2:178,618,084, G>A on the plus strand (C>T on the coding strand, the complement: TTN is on the minus strand). VCF-style: chr2-178618084-G-A. GRCh37 (hg19) VCF-style: chr2-179482811-G-A.
Other names: c.20075-3C>T (NM_003319.4); c.20651-3C>T (NM_133437.4); c.20450-3C>T (NM_133432.3); c.39566-3C>T (NM_133378.4); c.42347-3C>T (NM_001256850.1).
Identifiers: ClinVar variation 3223214 (VCV003223214.1), dbSNP rs752901611, ClinGen allele CA1995076.
Genomic context (GRCh38, chr2:178,618,084, plus strand): 5'-GAGACACCAAATCGATTCACATCAGTGATGGTTACATTCAAAGGAGGGCCTGGAACATCT[G>A]GATTTCACCACAGAAGAAGAAAATATGAGTTTGGGGTAACGATGATGAAGGCAAAGACTG-3'

ClinVar aggregate classification (germline): Uncertain significance (1 of 4 stars; one submission).

Conditions:
Cardiovascular phenotype. Identifiers: MedGen CN230736.

Allele frequency attached by ClinVar (database versions not stated): gnomAD exomes 0.00001; ExAC 0.00002.
gnomAD v4.1: 8 of 1,611,652 alleles (0.0005%); highest among the groups gnomAD compares: Admixed American, 0.0017%; no homozygotes.

Submission:

Ambry Genetics
Classification: Uncertain significance for Cardiovascular phenotype. Last evaluated: 2023-10-26. Review status: criteria provided, single submitter. Criteria: Ambry Variant Classification Scheme 2023. Collection method: clinical testing. Allele origin: germline.
Comment: The c.20075-3C>T intronic variant results from a C to T substitution 3 nucleotides upstream from coding exon 80 in the TTN gene. This nucleotide position is not well conserved in available vertebrate species. In silico splice site analysis predicts that this alteration will not have any significant effect on splicing. Since supporting evidence is limited at this time, the clinical significance of this alteration remains unclear.